The following is an entry in ClinVar:

NM_152770.3(CFAP299):c.522C>T (p.Pro174=)

Gene: CFAP299 (cilia and flagella associated protein 299; plus strand). Cytogenetic location: 4q21.21.
Variant type: single nucleotide variant.
Coding change: c.522C>T on transcript NM_152770.3 (MANE Select); coding-DNA position 522, C replaced by T.
Protein change: p.Pro174=; no amino-acid change (proline 174 retained).
Molecular consequence: synonymous variant.
Genome position (GRCh38, 1-based): chr4:80,944,855, C>T. VCF-style: chr4-80944855-C-T. GRCh37 (hg19) VCF-style: chr4-81866009-C-T.
Other names: c.573C>T, p.Pro191= (NM_001206997.2).
Identifiers: ClinVar variation 2654841 (VCV002654841.24), dbSNP rs1737389142, ClinGen allele CA440081028.

ClinVar aggregate classification (germline): Likely benign (1 of 4 stars; one submission).

Submission:

CeGaT Center for Human Genetics Tuebingen
Classification: Likely benign. Last evaluated: 2022-07-01. Review status: criteria provided, single submitter. Criteria: CeGaT Center For Human Genetics Tuebingen Variant Classification Criteria Version 2. Collection method: clinical testing. Allele origin: germline. Affected: yes. Observed: 1 variant allele.
Comment: CFAP299: PM2:Supporting, BP4, BP7